The following is an entry in ClinVar:

NM_017950.4(CCDC40):c.1883C>T (p.Thr628Met)

Gene: CCDC40 (coiled-coil domain 40 molecular ruler complex subunit; plus strand). Cytogenetic location: 17q25.3.
Variant type: single nucleotide variant.
Coding change: c.1883C>T on transcript NM_017950.4 (MANE Select); coding-DNA position 1883, C replaced by T.
Protein change: p.Thr628Met; replaces threonine 628 with methionine.
Molecular consequence: missense variant.
Genome position (GRCh38, 1-based): chr17:80,081,952, C>T. VCF-style: chr17-80081952-C-T. GRCh37 (hg19) VCF-style: chr17-78055751-C-T.
Other names: c.1883C>T, p.Thr628Met (NM_001243342.2); short protein forms T628M.
Identifiers: ClinVar variation 648750 (VCV000648750.16), dbSNP rs376363442, ClinGen allele CA8814043.

ClinVar aggregate classification (germline): Uncertain significance. Review status: criteria provided, multiple submitters, no conflicts (2 of 4 stars). 3 submissions from 3 submitters: Uncertain significance (3). Last evaluated 2025-02-15.

Conditions:
Primary ciliary dyskinesia 15. Also called: CILIARY DYSKINESIA, PRIMARY, 15, WITH OR WITHOUT SITUS INVERSUS. Identifiers: Orphanet 244, MedGen C3151137, MONDO:0013435, OMIM 613808.
Primary ciliary dyskinesia. Also called: Ciliary dyskinesia. Identifiers: Orphanet 244, MedGen C0008780, MONDO:0016575, HP:0012265.

Allele frequency attached by ClinVar (database versions not stated): ExAC 0.00003; gnomAD exomes 0.00004; gnomAD 0.00006 and 0.00007; ESP Exome Variant Server 0.00008; TOPMed 0.00009.
gnomAD v4.1: 70 of 1,613,780 alleles (0.0043%); highest among the groups gnomAD compares: Middle Eastern, 0.13%; 1 homozygote.

Submissions (3):

Labcorp Genetics (formerly Invitae), Labcorp
Classification: Uncertain significance for Primary ciliary dyskinesia. Last evaluated: 2025-02-15. Review status: criteria provided, single submitter. Criteria: Invitae Variant Classification Sherloc (09022015). Collection method: clinical testing. Allele origin: germline.
Comment: This sequence change replaces threonine, which is neutral and polar, with methionine, which is neutral and non-polar, at codon 628 of the CCDC40 protein (p.Thr628Met). This variant is present in population databases (rs376363442, gnomAD 0.009%). This variant has not been reported in the literature in individuals affected with CCDC40-related conditions. ClinVar contains an entry for this variant (Variation ID: 648750). Invitae Evidence Modeling of protein sequence and biophysical properties (such as structural, functional, and spatial information, amino acid conservation, physicochemical variation, residue mobility, and thermodynamic stability) indicates that this missense variant is not expected to disrupt CCDC40 protein function with a negative predictive value of 80%. In summary, the available evidence is currently insufficient to determine the role of this variant in disease. Therefore, it has been classified as a Variant of Uncertain Significance.

GeneDx
Classification: Uncertain significance. Last evaluated: 2019-07-11. Review status: criteria provided, single submitter. Criteria: GeneDx Variant Classification Process June 2021. Collection method: clinical testing. Allele origin: germline. Affected: yes.
Comment: In silico analysis, which includes protein predictors and evolutionary conservation, supports that this variant does not alter protein structure/function; Has not been previously published as pathogenic or benign to our knowledge

Illumina Laboratory Services, Illumina
Classification: Uncertain significance for Primary ciliary dyskinesia 15. Last evaluated: 2018-01-13. Review status: criteria provided, single submitter. Criteria: ICSL Variant Classification Criteria 13 December 2019. Collection method: clinical testing. Allele origin: germline.